The following is an entry in ClinVar:

NM_006922.4(SCN3A):c.3979G>C (p.Ala1327Pro)

Gene: SCN3A (sodium voltage-gated channel alpha subunit 3; minus strand). Cytogenetic location: 2q24.3.
Variant type: single nucleotide variant.
Coding change: c.3979G>C on transcript NM_006922.4 (MANE Select); coding-DNA position 3979, G replaced by C.
Protein change: p.Ala1327Pro; replaces alanine 1327 with proline.
Molecular consequence: missense variant.
Genome position (GRCh38, 1-based): chr2:165,097,512, C>G on the plus strand (G>C on the coding strand, the complement: SCN3A is on the minus strand). VCF-style: chr2-165097512-C-G. GRCh37 (hg19) VCF-style: chr2-165954022-C-G.
Other names: c.3832G>C, p.Ala1278Pro (NM_001081676.2, NM_001081677.2); short protein forms A1278P, A1327P.
Identifiers: ClinVar variation 2499708 (VCV002499708.5), dbSNP rs1250654372, ClinGen allele CA349026065.

ClinVar aggregate classification (germline): Uncertain significance. Review status: criteria provided, multiple submitters, no conflicts (2 of 4 stars). 2 submissions from 2 submitters: Uncertain significance (2). Last evaluated 2024-10-08.

Allele frequency attached by ClinVar (database versions not stated): TOPMed 0.00002.

Submissions (2):

GeneDx
Classification: Uncertain significance. Last evaluated: 2024-10-08. Review status: criteria provided, single submitter. Criteria: GeneDx Variant Classification Process June 2021. Collection method: clinical testing. Allele origin: germline.
Comment: Not observed at significant frequency in large population cohorts (gnomAD); In silico analysis supports that this missense variant has a deleterious effect on protein structure/function; Has not been previously published as pathogenic or benign to our knowledge

Labcorp Genetics (formerly Invitae), Labcorp
Classification: Uncertain significance. Last evaluated: 2023-08-29. Review status: criteria provided, single submitter. Criteria: Invitae Variant Classification Sherloc (09022015). Collection method: clinical testing. Allele origin: germline.
Comment: ClinVar contains an entry for this variant (Variation ID: 2499708). In summary, the available evidence is currently insufficient to determine the role of this variant in disease. Therefore, it has been classified as a Variant of Uncertain Significance. Advanced modeling of protein sequence and biophysical properties (such as structural, functional, and spatial information, amino acid conservation, physicochemical variation, residue mobility, and thermodynamic stability) has been performed at Invitae for this missense variant, however the output from this modeling did not meet the statistical confidence thresholds required to predict the impact of this variant on SCN3A protein function. This variant has not been reported in the literature in individuals affected with SCN3A-related conditions. This variant is not present in population databases (gnomAD no frequency). This sequence change replaces alanine, which is neutral and non-polar, with proline, which is neutral and non-polar, at codon 1327 of the SCN3A protein (p.Ala1327Pro).